The following is an entry in ClinVar:

NM_004371.4(COPA):c.2296G>T (p.Gly766Cys)

Gene: COPA (coat protein complex I subunit alpha; minus strand). Cytogenetic location: 1q23.2.
Variant type: single nucleotide variant.
Coding change: c.2296G>T on transcript NM_004371.4 (MANE Select); coding-DNA position 2296, G replaced by T.
Protein change: p.Gly766Cys; replaces glycine 766 with cysteine.
Molecular consequence: missense variant.
Genome position (GRCh38, 1-based): chr1:160,296,117, C>A on the plus strand (G>T on the coding strand, the complement: COPA is on the minus strand). VCF-style: chr1-160296117-C-A. GRCh37 (hg19) VCF-style: chr1-160265907-C-A.
Other names: c.2323G>T, p.Gly775Cys (NM_001098398.2); short protein forms G766C, G775C.
Identifiers: ClinVar variation 1026695 (VCV001026695.8), dbSNP rs1658403444, ClinGen allele CA343276858.

ClinVar aggregate classification (germline): Uncertain significance (1 of 4 stars; one submission).

Conditions:
Autoimmune interstitial lung disease-arthritis syndrome. Also called: Autoinflammation and autoimmunity, systemic, with immune dysregulation. Identifiers: Orphanet 444092, MedGen C5975714, MONDO:0014629.

Submission:

Labcorp Genetics (formerly Invitae), Labcorp
Classification: Uncertain significance for Autoimmune interstitial lung disease-arthritis syndrome. Last evaluated: 2020-04-30. Review status: criteria provided, single submitter. Criteria: Invitae Variant Classification Sherloc (09022015). Collection method: clinical testing. Allele origin: germline.
Comment: In summary, the available evidence is currently insufficient to determine the role of this variant in disease. Therefore, it has been classified as a Variant of Uncertain Significance. Algorithms developed to predict the effect of missense changes on protein structure and function (SIFT, PolyPhen-2, Align-GVGD) all suggest that this variant is likely to be disruptive, but these predictions have not been confirmed by published functional studies and their clinical significance is uncertain. This variant has not been reported in the literature in individuals with COPA-related conditions. This variant is not present in population databases (ExAC no frequency). This sequence change replaces glycine with cysteine at codon 766 of the COPA protein (p.Gly766Cys). The glycine residue is highly conserved and there is a large physicochemical difference between glycine and cysteine.